The following is an entry in ClinVar:

ClinVar aggregate classification (germline): Benign/Likely benign. Review status: criteria provided, multiple submitters, no conflicts (2 of 4 stars). 11 submissions from 11 submitters: Benign (1); Likely benign (9). 1 of the submissions does not count toward it. Last evaluated 2026-01-08.

Conditions:
PMS2-related disorder. Also called: PMS2-related condition.
Hereditary nonpolyposis colorectal neoplasms. Identifiers: MedGen C0009405, MeSH D003123.
Hereditary cancer-predisposing syndrome. Also called: Neoplastic Syndromes, Hereditary; Hereditary Cancer Syndrome; Tumor predisposition; Hereditary neoplastic syndrome. Identifiers: Orphanet 140162, MedGen C0027672, MeSH D009386, MONDO:0015356.
Lynch syndrome. Identifiers: Orphanet 144, MedGen C4552100, MONDO:0005835. Disease mechanism: loss of function.
Lynch syndrome 4 (LYNCH4). Also called: Colorectal cancer, hereditary nonpolyposis, type 4; Hereditary non-polyposis colorectal cancer, type 4. Identifiers: Orphanet 144, MedGen C1838333, MONDO:0013699, OMIM 614337. Disease mechanism: loss of function.

Allele frequency attached by ClinVar (database versions not stated): gnomAD exomes below 0.00001; TOPMed 0.00001.
gnomAD v4.1: 4 of 1,611,912 alleles (0.00025%); highest among the groups gnomAD compares: Non-Finnish European, 0.00034%; no homozygotes.

Submissions (11):

Labcorp Genetics (formerly Invitae), Labcorp
Classification: Likely benign for Hereditary nonpolyposis colorectal neoplasms. Last evaluated: 2026-01-08. Review status: criteria provided, single submitter. Criteria: Invitae Variant Classification Sherloc (09022015). Collection method: clinical testing. Allele origin: germline.

CeGaT Center for Human Genetics Tuebingen
Classification: Likely benign. Last evaluated: 2025-05-01. Review status: criteria provided, single submitter. Criteria: CeGaT Center For Human Genetics Tuebingen Variant Classification Criteria Version 2. Collection method: clinical testing. Allele origin: germline. Affected: yes. Observed: 1 variant allele.
Comment: PMS2: BP4, BP7

Myriad Genetics, Inc.
Classification: Benign for Lynch syndrome 4. Last evaluated: 2025-01-24. Review status: criteria provided, single submitter. Criteria: Myriad Autosomal Dominant, Autosomal Recessive and X-Linked Classification Criteria (2023). Collection method: clinical testing. Allele origin: unknown.
Comment: This variant is considered benign. This variant is a silent/synonymous amino acid change and it is not expected to impact splicing.

Blueprint Genetics
Classification: Likely benign. Last evaluated: 2024-08-12. Review status: criteria provided, single submitter. Criteria: ACMG Guidelines, 2015. Collection method: clinical testing. Allele origin: germline.

All of Us Research Program, National Institutes of Health
Classification: Likely benign for Lynch syndrome. Last evaluated: 2024-05-14. Review status: criteria provided, single submitter. Criteria: ACMG Guidelines, 2015. Collection method: clinical testing. Allele origin: germline. Inheritance: Autosomal dominant inheritance. Observed: 9 variant alleles, 9 heterozygotes.
Comment: This study involves interpretation of variants in research participants for the purpose of population health screening. Participant phenotype was not available at the time of variant classification. Additional details can be found in publication PMID: 35346344, PMCID: PMC8962531

Department of Pathology and Laboratory Medicine, Sinai Health System
Classification: Likely benign for Lynch syndrome. Last evaluated: 2022-04-28. Review status: criteria provided, single submitter. Criteria: ACMG Guidelines, 2015. Collection method: clinical testing. Allele origin: germline. Affected: yes.

Women's Health and Genetics/Laboratory Corporation of America, LabCorp
Classification: Likely benign. Last evaluated: 2019-10-19. Review status: criteria provided, single submitter. Criteria: LabCorp Variant Classification Summary - May 2015. Collection method: clinical testing. Allele origin: germline.

GeneDx
Classification: Likely benign. Last evaluated: 2019-07-31. Review status: criteria provided, single submitter. Criteria: GeneDx Variant Classification Process June 2021. Collection method: clinical testing. Allele origin: germline. Affected: yes.

Color Diagnostics, LLC DBA Color Health
Classification: Likely benign for Hereditary cancer-predisposing syndrome. Last evaluated: 2018-06-05. Review status: criteria provided, single submitter. Criteria: ACMG Guidelines, 2015. Collection method: clinical testing. Allele origin: germline.

Ambry Genetics
Classification: Likely benign for Hereditary cancer-predisposing syndrome. Last evaluated: 2015-01-07. Review status: criteria provided, single submitter. Criteria: Ambry Variant Classification Scheme 2023. Collection method: clinical testing. Allele origin: germline.

PreventionGenetics, part of Exact Sciences
Classification: Likely benign for PMS2-related condition. Last evaluated: 2020-08-31. Review status: no assertion criteria provided. Collection method: clinical testing. Allele origin: germline. Not counted in ClinVar's aggregate classification.
Comment: This variant is classified as likely benign based on ACMG/AMP sequence variant interpretation guidelines (Richards et al. 2015 PMID: 25741868, with internal and published modifications).

NM_000535.7(PMS2):c.387G>A (p.Ala129=)

Gene: PMS2 (PMS1 homolog 2, mismatch repair system component; minus strand). Cytogenetic location: 7p22.1.
Variant type: single nucleotide variant.
Coding change: c.387G>A on transcript NM_000535.7 (MANE Select); coding-DNA position 387, G replaced by A.
Protein change: p.Ala129=; no amino-acid change (alanine 129 retained).
Molecular consequence: synonymous variant. On other transcripts: 5 prime UTR variant (8), non-coding transcript variant (1).
Genome position (GRCh38, 1-based): chr7:6,002,603, C>T on the plus strand (G>A on the coding strand, the complement: PMS2 is on the minus strand). VCF-style: chr7-6002603-C-T. GRCh37 (hg19) VCF-style: chr7-6042234-C-T.
Other names: c.-19G>A (NM_001322003.2, NM_001322004.2, NM_001322005.2 and 3 more transcripts); c.387G>A, p.Ala129= (NM_001322006.2, NM_001322014.2); c.69G>A, p.Ala23= (NM_001322007.2, NM_001322008.2); c.-498G>A (NM_001322011.2, NM_001322012.2); c.78G>A, p.Ala26= (NM_001322015.2).
Identifiers: ClinVar variation 229928 (VCV000229928.43), dbSNP rs876658275, ClinGen allele CA10578716.